The following is an entry in ClinVar:

ClinVar aggregate classification (germline): Benign. Review status: criteria provided, multiple submitters, no conflicts (2 of 4 stars). 5 submissions from 5 submitters: Benign (5). Last evaluated 2020-07-30.

Conditions:
Pancreatic cancer, susceptibility to, 1. Identifiers: Orphanet 1333, MedGen C1847351, MONDO:0011739, OMIM 606856.

Allele frequency attached by ClinVar (database versions not stated): TOPMed 0.28002; gnomAD exomes 0.28080 and 0.31133; 1000 Genomes Project 30x 0.23641; 1000 Genomes Project 0.23962; ESP Exome Variant Server 0.28364; ExAC 0.28520; gnomAD 0.29264 and 0.29609.
gnomAD v4.1: 498,588 of 1,613,214 alleles (31%); highest among the groups gnomAD compares: Non-Finnish European, 33%; 78,968 homozygotes.

Submissions (5):

Ambry Genetics
Classification: Benign. Last evaluated: 2020-07-30. Review status: criteria provided, single submitter. Criteria: Ambry Variant Classification Scheme 2023. Collection method: clinical testing. Allele origin: germline.

Illumina Laboratory Services, Illumina
Classification: Benign for Pancreatic cancer, susceptibility to, 1. Last evaluated: 2018-01-13. Review status: criteria provided, single submitter. Criteria: ICSL Variant Classification Criteria 13 December 2019. Collection method: clinical testing. Allele origin: germline.
Comment: This variant was observed in the ICSL laboratory as part of a predisposition screen in an ostensibly healthy population. It had not been previously curated by ICSL or reported in the Human Gene Mutation Database (HGMD: prior to June 1st, 2018), and was therefore a candidate for classification through an automated scoring system. Utilizing variant allele frequency, disease prevalence and penetrance estimates, and inheritance mode, an automated score was calculated to assess if this variant is too frequent to cause the disease. Based on the score and internal cut-off values, a variant classified as benign is not then subjected to further curation. The score for this variant resulted in a classification of benign for this disease.

Laboratory for Molecular Medicine, Mass General Brigham Personalized Medicine
Classification: Benign. Last evaluated: 2016-03-28. Review status: criteria provided, single submitter. Criteria: LMM Criteria. Collection method: clinical testing. Allele origin: germline.
Comment: Variant identified in a genome or exome case(s) and assessed due to predicted null impact of the variant or pathogenic assertions in the literature or databases. Disclaimer: This variant has not undergone full assessment. The following are preliminary notes: Frequency

GeneDx
Classification: Benign. Last evaluated: 2015-03-03. Review status: criteria provided, single submitter. Criteria: GeneDx Variant Classification Process June 2021. Collection method: clinical testing. Allele origin: germline. Affected: yes.

Breakthrough Genomics
Classification: Benign. Review status: criteria provided, single submitter. Criteria: ACMG Guidelines, 2015. Collection method: not provided. Allele origin: germline. Inheritance: Autosomal dominant inheritance. Affected: yes.

NM_001166108.2(PALLD):c.671T>C (p.Met224Thr)

Gene: PALLD (palladin, cytoskeletal associated protein; plus strand). Cytogenetic location: 4q32.3.
Variant type: single nucleotide variant.
Coding change: c.671T>C on transcript NM_001166108.2 (MANE Select); coding-DNA position 671, T replaced by C.
Protein change: p.Met224Thr; replaces methionine 224 with threonine.
Molecular consequence: missense variant.
Genome position (GRCh38, 1-based): chr4:168,512,175, T>C. VCF-style: chr4-168512175-T-C. GRCh37 (hg19) VCF-style: chr4-169433326-T-C.
Other names: c.671T>C, p.Met224Thr (NM_016081.4); short protein forms M224T.
Identifiers: ClinVar variation 403284 (VCV000403284.13), dbSNP rs7655494, ClinGen allele CA3135413.
Genomic context (GRCh38, chr4:168,512,175, plus strand): 5'-ACCTGTCTCCTAAAAATCAGCCGTCAGCCCTGCTGAGTGCCTCAGCCAGCCAGAGCCCTA[T>C]GGAAGACCAAGGGGAGATGGAAAGAGAGGTCAAGTCCCCTGGGGCCAGGCATTGCTACCA-3'
Protein context (NP_001159580.1, residues 214-234): LLSASASQSP[Met224Thr]EDQGEMEREV